The following is an entry in ClinVar:

ClinVar aggregate classification (germline): Uncertain significance (1 of 4 stars; one submission).

Submission:

Ambry Genetics
Classification: Uncertain significance. Last evaluated: 2026-03-30. Review status: criteria provided, single submitter. Criteria: Ambry Variant Classification Scheme 2023. Collection method: clinical testing. Allele origin: germline.
Comment: The p.E49G variant (also known as c.146A>G), located in coding exon 1 of the GALNT12 gene, results from an A to G substitution at nucleotide position 146. The glutamic acid at codon 49 is replaced by glycine, an amino acid with similar properties. This amino acid position is conserved. In addition, this alteration is predicted to be tolerated by in silico analysis. Based on the available evidence, the clinical significance of this variant remains unclear.

NM_024642.5(GALNT12):c.146A>G (p.Glu49Gly)

Gene: GALNT12 (polypeptide N-acetylgalactosaminyltransferase 12; plus strand). Cytogenetic location: 9q22.33.
Variant type: single nucleotide variant.
Coding change: c.146A>G on transcript NM_024642.5 (MANE Select); coding-DNA position 146, A replaced by G.
Protein change: p.Glu49Gly; replaces glutamic acid 49 with glycine.
Molecular consequence: missense variant.
Genome position (GRCh38, 1-based): chr9:98,807,844, A>G. VCF-style: chr9-98807844-A-G. GRCh37 (hg19) VCF-style: chr9-101570126-A-G.
Other names: short protein forms E49G.
Identifiers: ClinVar variation 4871640 (VCV004871640.1).